The following is an entry in ClinVar:

ClinVar aggregate classification (germline): Conflicting classifications of pathogenicity. Review status: criteria provided, conflicting classifications (1 of 4 stars). 3 submissions from 3 submitters: Uncertain significance (1); Likely benign (1). 1 of the submissions does not count toward it. Last evaluated 2025-08-04.

Conditions:
PDZD2-related disorder. Also called: PDZD2-related condition.

Allele frequency attached by ClinVar (database versions not stated): gnomAD exomes 0.00018; ExAC 0.00071; gnomAD 0.00209; TOPMed 0.00222; ESP Exome Variant Server 0.00269; 1000 Genomes Project 0.00399; 1000 Genomes Project 30x 0.00453.
gnomAD v4.1: 594 of 1,614,126 alleles (0.037%); highest among the groups gnomAD compares: African/African-American, 0.69%; 1 homozygote.

Submissions (3):

Ambry Genetics
Classification: Uncertain significance. Last evaluated: 2025-08-04. Review status: criteria provided, single submitter. Criteria: Ambry Variant Classification Scheme 2023. Collection method: clinical testing. Allele origin: germline.

CeGaT Center for Human Genetics Tuebingen
Classification: Likely benign. Last evaluated: 2023-09-01. Review status: criteria provided, single submitter. Criteria: CeGaT Center For Human Genetics Tuebingen Variant Classification Criteria Version 2. Collection method: clinical testing. Allele origin: germline. Affected: yes. Observed: 1 variant allele.
Comment: PDZD2: BP4

PreventionGenetics, part of Exact Sciences
Classification: Benign for PDZD2-related condition. Last evaluated: 2019-05-01. Review status: no assertion criteria provided. Collection method: clinical testing. Allele origin: germline. Not counted in ClinVar's aggregate classification.
Comment: This variant is classified as benign based on ACMG/AMP sequence variant interpretation guidelines (Richards et al. 2015 PMID: 25741868, with internal and published modifications).

NM_178140.4(PDZD2):c.8000G>A (p.Arg2667Gln)

Genes: PDZD2 (PDZ domain containing 2; plus strand), LOC126807343 (CDK7 strongly-dependent group 2 enhancer GRCh37_chr5:32097810-32099009; plus strand). Cytogenetic location: 5p13.3.
Variant type: single nucleotide variant.
Coding change: c.8000G>A on transcript NM_178140.4 (MANE Select); coding-DNA position 8000, G replaced by A.
Protein change: p.Arg2667Gln; replaces arginine 2667 with glutamine.
Molecular consequence: missense variant.
Genome position (GRCh38, 1-based): chr5:32,098,416, G>A. VCF-style: chr5-32098416-G-A. GRCh37 (hg19) VCF-style: chr5-32098522-G-A.
Other names: c.8000G>A (NM_178140.2, NM_178140.3); short protein forms R2667Q.
Identifiers: ClinVar variation 2655383 (VCV002655383.26), dbSNP rs146240060, ClinGen allele CA3220463.
Genomic context (GRCh38, chr5:32,098,416, plus strand): 5'-CATCCCAGGTCCACAGGGTGTTTTCTCAGGGGGCGGCTTCTCAGGAAGGGACTATGAACC[G>A]AGGGGATTTCCTTCTGTCAGTCAACGGCGCCTCACTGGCTGGCTTAGCCCACGGGAATGT-3'
Protein context (NP_835260.2, residues 2657-2677): GAASQEGTMN[Arg2667Gln]GDFLLSVNGA